The following is an entry in ClinVar:

ClinVar aggregate classification (germline): Uncertain significance. Review status: criteria provided, multiple submitters, no conflicts (2 of 4 stars). 2 submissions from 2 submitters: Uncertain significance (2). Last evaluated 2025-09-21.

Conditions:
NUP205-related disorder. Also called: NUP205-related condition.

gnomAD v4.1: 105 of 1,505,676 alleles (0.007%); highest among the groups gnomAD compares: Non-Finnish European, 0.0092%; no homozygotes.

Submissions (3):

PreventionGenetics, part of Exact Sciences
Classification: Uncertain significance for NUP205-related condition. Last evaluated: 2025-09-21. Review status: criteria provided, single submitter. Criteria: ACMG Guidelines, 2015. Collection method: clinical testing. Allele origin: germline.
Comment: The NUP205 c.106G>T variant is predicted to result in the amino acid substitution p.Val36Phe. To our knowledge, this variant has not been reported in the literature. This variant is reported in 0.016% of alleles in individuals of European (Non-Finnish) descent in gnomAD. At this time, the clinical significance of this variant is uncertain due to the absence of conclusive functional and genetic evidence.

Ambry Genetics
Classification: Uncertain significance. Last evaluated: 2025-06-18. Review status: criteria provided, single submitter. Criteria: Ambry Variant Classification Scheme 2023. Collection method: clinical testing. Allele origin: germline.

Dr. Peter K. Rogan Lab, Western University
No classification provided (evidence only). Condition: Familial cancer of breast. Review status: no classification provided. Collection method: in vitro. Allele origin: not applicable. Functional consequence: retained intron. Not counted in ClinVar's aggregate classification.

NM_015135.3(NUP205):c.106G>T (p.Val36Phe)

Gene: NUP205 (nucleoporin 205; plus strand). Cytogenetic location: 7q33.
Variant type: single nucleotide variant.
Coding change: c.106G>T on transcript NM_015135.3 (MANE Select); coding-DNA position 106, G replaced by T.
Protein change: p.Val36Phe; replaces valine 36 with phenylalanine.
Molecular consequence: missense variant. On other transcripts: 5 prime UTR variant (1).
Genome position (GRCh38, 1-based): chr7:135,571,182, G>T. VCF-style: chr7-135571182-G-T. GRCh37 (hg19) VCF-style: chr7-135255930-G-T.
Other names: NC_000007.13:g.135255930G>T; c.-980G>T (NM_001329434.2); short protein forms V36F.
Identifiers: ClinVar variation 4124016 (VCV004124016.3).